The following is an entry in ClinVar:

NM_001371986.1(UNC80):c.7921G>A (p.Ala2641Thr)

Gene: UNC80 (unc-80 subunit of NALCN channel complex; plus strand). Cytogenetic location: 2q34.
Variant type: single nucleotide variant.
Coding change: c.7921G>A on transcript NM_001371986.1 (MANE Select); coding-DNA position 7921, G replaced by A.
Protein change: p.Ala2641Thr; replaces alanine 2641 with threonine.
Molecular consequence: missense variant.
Genome position (GRCh38, 1-based): chr2:209,967,552, G>A. VCF-style: chr2-209967552-G-A. GRCh37 (hg19) VCF-style: chr2-210832276-G-A.
Other names: c.7723G>A, p.Ala2575Thr (NM_032504.2); c.7708G>A, p.Ala2570Thr (NM_182587.4); short protein forms A2570T, A2641T, A2575T.
Identifiers: ClinVar variation 1357264 (VCV001357264.6), dbSNP rs1214117176, ClinGen allele CA350777347.

ClinVar aggregate classification (germline): Uncertain significance (1 of 4 stars; one submission).

Submission:

Labcorp Genetics (formerly Invitae), Labcorp
Classification: Uncertain significance. Last evaluated: 2022-11-01. Review status: criteria provided, single submitter. Criteria: Invitae Variant Classification Sherloc (09022015). Collection method: clinical testing. Allele origin: germline.
Comment: This variant is not present in population databases (gnomAD no frequency). This sequence change replaces alanine with threonine at codon 2575 of the UNC80 protein (p.Ala2575Thr). The alanine residue is weakly conserved and there is a small physicochemical difference between alanine and threonine. This variant has not been reported in the literature in individuals affected with UNC80-related conditions. In summary, the available evidence is currently insufficient to determine the role of this variant in disease. Therefore, it has been classified as a Variant of Uncertain Significance. Advanced modeling of protein sequence and biophysical properties (such as structural, functional, and spatial information, amino acid conservation, physicochemical variation, residue mobility, and thermodynamic stability) performed at Invitae indicates that this missense variant is not expected to disrupt UNC80 protein function. ClinVar contains an entry for this variant (Variation ID: 1357264).